The following is an entry in ClinVar:

ClinVar aggregate classification (germline): Uncertain significance. Review status: criteria provided, multiple submitters, no conflicts (2 of 4 stars). 3 submissions from 3 submitters: Uncertain significance (3). Last evaluated 2025-08-09.

Conditions:
Combined immunodeficiency due to STIM1 deficiency. Also called: IMMUNODEFICIENCY 10; STIM1 DEFICIENCY. Identifiers: Orphanet 169090, Orphanet 317430, MedGen C2748557, MONDO:0013008, OMIM 612783.
Stormorken syndrome (STRMK). Also called: THROMBOCYTOPATHY, ASPLENIA, AND MIOSIS. Identifiers: Orphanet 3204, MedGen C1861451, MONDO:0008497, OMIM 185070.
Myopathy, tubular aggregate, 1 (TAM1). Identifiers: MedGen C4011726, MONDO:0024531, OMIM 160565.
Myopathy with tubular aggregates (TAM). Also called: Tubular Aggregate Myopathy. Identifiers: Orphanet 2593, MedGen C0410207, MONDO:0008051.
Inborn genetic diseases. Identifiers: MedGen C0950123, MeSH D030342.

Allele frequency attached by ClinVar (database versions not stated): gnomAD exomes below 0.00001 and 0.00001; gnomAD 0.00001; TOPMed 0.00001.

Submissions (3):

Ambry Genetics
Classification: Uncertain significance for Inborn genetic diseases. Last evaluated: 2025-08-09. Review status: criteria provided, single submitter. Criteria: Ambry Variant Classification Scheme 2023. Collection method: clinical testing. Allele origin: germline.

Labcorp Genetics (formerly Invitae), Labcorp
Classification: Uncertain significance for Myopathy with tubular aggregates; Combined immunodeficiency due to STIM1 deficiency; Stormorken syndrome. Last evaluated: 2024-05-06. Review status: criteria provided, single submitter. Criteria: Invitae Variant Classification Sherloc (09022015). Collection method: clinical testing. Allele origin: germline.
Comment: This sequence change replaces leucine, which is neutral and non-polar, with phenylalanine, which is neutral and non-polar, at codon 114 of the STIM1 protein (p.Leu114Phe). This variant is present in population databases (rs201767533, gnomAD 0.002%). This variant has not been reported in the literature in individuals affected with STIM1-related conditions. ClinVar contains an entry for this variant (Variation ID: 461732). Advanced modeling of protein sequence and biophysical properties (such as structural, functional, and spatial information, amino acid conservation, physicochemical variation, residue mobility, and thermodynamic stability) performed at Invitae indicates that this missense variant is expected to disrupt STIM1 protein function with a positive predictive value of 80%. In summary, the available evidence is currently insufficient to determine the role of this variant in disease. Therefore, it has been classified as a Variant of Uncertain Significance.

Fulgent Genetics
Classification: Uncertain significance for Myopathy, tubular aggregate, 1; Stormorken syndrome; Combined immunodeficiency due to STIM1 deficiency. Last evaluated: 2022-05-11. Review status: criteria provided, single submitter. Criteria: ACMG Guidelines, 2015. Collection method: clinical testing. Allele origin: unknown.

NM_001382567.1(STIM1):c.340C>T (p.Leu114Phe)

Gene: STIM1 (stromal interaction molecule 1; plus strand). Cytogenetic location: 11p15.4.
Variant type: single nucleotide variant.
Coding change: c.340C>T on transcript NM_001382567.1 (MANE Select); coding-DNA position 340, C replaced by T.
Protein change: p.Leu114Phe; replaces leucine 114 with phenylalanine.
Molecular consequence: missense variant. On other transcripts: 5 prime UTR variant (3), non-coding transcript variant (3).
Genome position (GRCh38, 1-based): chr11:4,023,942, C>T. VCF-style: chr11-4023942-C-T. GRCh37 (hg19) VCF-style: chr11-4045172-C-T.
Other names: c.340C>T, p.Leu114Phe (NM_001277961.3, NM_001277962.2, NM_001382568.1 and 3 more transcripts); c.118C>T, p.Leu40Phe (NM_001382566.1, NM_001382573.1, NM_001382574.1 and 5 more transcripts); c.205C>T, p.Leu69Phe (NM_001382569.1); c.-29C>T (NM_001382571.1); c.-150C>T (NM_001382580.1, NM_001382581.1); short protein forms L114F, L40F, L69F.
Identifiers: ClinVar variation 461732 (VCV000461732.12), dbSNP rs201767533, ClinGen allele CA216321890.